The following is an entry in ClinVar:

NM_000059.4(BRCA2):c.8345G>C (p.Ser2782Thr)

Gene: BRCA2 (BRCA2 DNA repair associated; plus strand). Cytogenetic location: 13q13.1.
Variant type: single nucleotide variant.
Coding change: c.8345G>C on transcript NM_000059.4 (MANE Select); coding-DNA position 8345, G replaced by C.
Protein change: p.Ser2782Thr; replaces serine 2782 with threonine.
Molecular consequence: missense variant.
Genome position (GRCh38, 1-based): chr13:32,370,415, G>C. VCF-style: chr13-32370415-G-C. GRCh37 (hg19) VCF-style: chr13-32944552-G-C.
Other names: short protein forms S2782T.
Identifiers: ClinVar variation 1002504 (VCV001002504.9), dbSNP rs749770064, ClinGen allele CA387752367.

ClinVar aggregate classification (germline): Uncertain significance (1 of 4 stars; one submission).

Conditions:
Hereditary breast ovarian cancer syndrome. Also called: Hereditary breast and ovarian cancer syndrome; Hereditary breast and/or ovarian cancer syndrome; Hereditary breast and ovarian cancer syndrome (HBOC); Breast and ovarian cancer; BRCA1- and BRCA2-Associated Hereditary Breast and Ovarian Cancer; Hereditary breast and ovarian cancer. Identifiers: Orphanet 145, MedGen C0677776, MeSH D061325, MONDO:0003582. Disease mechanism: loss of function.

gnomAD v4.1: 2 of 1,613,604 alleles (0.00012%); highest among the groups gnomAD compares: South Asian, 0.0022%; no homozygotes.

Submission:

Labcorp Genetics (formerly Invitae), Labcorp
Classification: Uncertain significance for Hereditary breast ovarian cancer syndrome. Last evaluated: 2020-08-10. Review status: criteria provided, single submitter. Criteria: Invitae Variant Classification Sherloc (09022015). Collection method: clinical testing. Allele origin: germline.
Comment: This sequence change replaces serine with threonine at codon 2782 of the BRCA2 protein (p.Ser2782Thr). The serine residue is highly conserved and there is a small physicochemical difference between serine and threonine. In summary, the available evidence is currently insufficient to determine the role of this variant in disease. Therefore, it has been classified as a Variant of Uncertain Significance. Algorithms developed to predict the effect of missense changes on protein structure and function (SIFT, PolyPhen-2, Align-GVGD) all suggest that this variant is likely to be disruptive, but these predictions have not been confirmed by published functional studies and their clinical significance is uncertain. This variant has not been reported in the literature in individuals with BRCA2-related conditions. This variant is not present in population databases (ExAC no frequency).